The following is an entry in ClinVar:

NM_001040142.2(SCN2A):c.5854G>A (p.Asp1952Asn)

Gene: SCN2A (sodium voltage-gated channel alpha subunit 2; plus strand). Cytogenetic location: 2q24.3.
Variant type: single nucleotide variant.
Coding change: c.5854G>A on transcript NM_001040142.2 (MANE Select); coding-DNA position 5854, G replaced by A.
Protein change: p.Asp1952Asn; replaces aspartic acid 1952 with asparagine.
Molecular consequence: missense variant.
Genome position (GRCh38, 1-based): chr2:165,389,660, G>A. VCF-style: chr2-165389660-G-A. GRCh37 (hg19) VCF-style: chr2-166246170-G-A.
Other names: c.5854G>A, p.Asp1952Asn (NM_001040143.2, NM_001371246.1, NM_001371247.1 and 1 more transcripts); short protein forms D1952N.
Identifiers: ClinVar variation 1190250 (VCV001190250.7), dbSNP rs1163504197, ClinGen allele CA349040660.

ClinVar aggregate classification (germline): Uncertain significance. Review status: criteria provided, multiple submitters, no conflicts (2 of 4 stars). 2 submissions from 2 submitters: Uncertain significance (2). Last evaluated 2025-09-24.

Conditions:
Developmental and epileptic encephalopathy, 11 (DEE11). Also called: Early infantile epileptic encephalopathy 11. Identifiers: Orphanet 1934, MedGen C3150987, MONDO:0013388, OMIM 613721.
Seizures, benign familial infantile, 3 (BFIS3). Also called: CONVULSIONS, BENIGN FAMILIAL INFANTILE, 3; Familial neonatal seizures. Identifiers: Orphanet 140927, Orphanet 306, MedGen C1843140, MONDO:0011904, OMIM 607745.

Allele frequency attached by ClinVar (database versions not stated): gnomAD exomes below 0.00001.
gnomAD v4.1: 3 of 1,613,742 alleles (0.00019%); highest among the groups gnomAD compares: Non-Finnish European, 0.00025%; no homozygotes.

Submissions (2):

Labcorp Genetics (formerly Invitae), Labcorp
Classification: Uncertain significance for Seizures, benign familial infantile, 3; Developmental and epileptic encephalopathy, 11. Last evaluated: 2025-09-24. Review status: criteria provided, single submitter. Criteria: Invitae Variant Classification Sherloc (09022015). Collection method: clinical testing. Allele origin: germline.
Comment: This sequence change replaces aspartic acid, which is acidic and polar, with asparagine, which is neutral and polar, at codon 1952 of the SCN2A protein (p.Asp1952Asn). This variant is present in population databases (no rsID available, gnomAD 0.0009%). This variant has not been reported in the literature in individuals affected with SCN2A-related conditions. ClinVar contains an entry for this variant (Variation ID: 1190250). Invitae Evidence Modeling of protein sequence and biophysical properties (such as structural, functional, and spatial information, amino acid conservation, physicochemical variation, residue mobility, and thermodynamic stability) indicates that this missense variant is not expected to disrupt SCN2A protein function with a negative predictive value of 95%. In summary, the available evidence is currently insufficient to determine the role of this variant in disease. Therefore, it has been classified as a Variant of Uncertain Significance.

GeneDx
Classification: Uncertain significance. Last evaluated: 2020-04-13. Review status: criteria provided, single submitter. Criteria: GeneDx Variant Classification Process June 2021. Collection method: clinical testing. Allele origin: germline. Affected: yes.
Comment: Not observed at a significant frequency in large population cohorts (Lek et al., 2016); Missense variants in this gene are often considered pathogenic (Stenson et al., 2014); In silico analysis supports that this missense variant does not alter protein structure/function; Has not been previously published as pathogenic or benign to our knowledge; This substitution is predicted to be within the C-terminal cytoplasmic domain